The following is an entry in ClinVar:

ClinVar aggregate classification (germline): Uncertain significance. Review status: criteria provided, multiple submitters, no conflicts (2 of 4 stars). 2 submissions from 2 submitters: Uncertain significance (2). Last evaluated 2025-11-18.

Conditions:
Hereditary cancer-predisposing syndrome. Also called: Hereditary neoplastic syndrome; Hereditary Cancer Syndrome; Tumor predisposition; Neoplastic Syndromes, Hereditary. Identifiers: Orphanet 140162, MedGen C0027672, MeSH D009386, MONDO:0015356.

Submissions (2):

Labcorp Genetics (formerly Invitae), Labcorp
Classification: Uncertain significance. Last evaluated: 2025-11-18. Review status: criteria provided, single submitter. Criteria: Invitae Variant Classification Sherloc (09022015). Collection method: clinical testing. Allele origin: germline.
Comment: This sequence change replaces leucine, which is neutral and non-polar, with phenylalanine, which is neutral and non-polar, at codon 2270 of the POLE protein (p.Leu2270Phe). This variant is not present in population databases (gnomAD no frequency). This variant has not been reported in the literature in individuals affected with POLE-related conditions. ClinVar contains an entry for this variant (Variation ID: 2002152). Invitae Evidence Modeling of protein sequence and biophysical properties (such as structural, functional, and spatial information, amino acid conservation, physicochemical variation, residue mobility, and thermodynamic stability) indicates that this missense variant is expected to disrupt POLE protein function with a positive predictive value of 80%. In summary, the available evidence is currently insufficient to determine the role of this variant in disease. Therefore, it has been classified as a Variant of Uncertain Significance.

Ambry Genetics
Classification: Uncertain significance for Hereditary cancer-predisposing syndrome. Last evaluated: 2025-02-22. Review status: criteria provided, single submitter. Criteria: Ambry Variant Classification Scheme 2023. Collection method: clinical testing. Allele origin: germline.
Comment: The p.L2270F variant (also known as c.6808C>T), located in coding exon 49 of the POLE gene, results from a C to T substitution at nucleotide position 6808. The leucine at codon 2270 is replaced by phenylalanine, an amino acid with highly similar properties. This amino acid position is conserved. In addition, the in silico prediction for this alteration is inconclusive. Based on the available evidence, the clinical significance of this variant remains unclear.

NM_006231.4(POLE):c.6808C>T (p.Leu2270Phe)

Gene: POLE (DNA polymerase epsilon, catalytic subunit; minus strand). Cytogenetic location: 12q24.33.
Variant type: single nucleotide variant.
Coding change: c.6808C>T on transcript NM_006231.4 (MANE Select); coding-DNA position 6808, C replaced by T.
Protein change: p.Leu2270Phe; replaces leucine 2270 with phenylalanine.
Molecular consequence: missense variant.
Genome position (GRCh38, 1-based): chr12:132,624,750, G>A on the plus strand (C>T on the coding strand, the complement: POLE is on the minus strand). VCF-style: chr12-132624750-G-A. GRCh37 (hg19) VCF-style: chr12-133201336-G-A.
Other names: c.6808C>T (NM_006231.2); short protein forms L2270F.
Identifiers: ClinVar variation 2002152 (VCV002002152.5), dbSNP rs2541831978, ClinGen allele CA387365716.